The following is an entry in ClinVar:

ClinVar aggregate classification (germline): Conflicting classifications of pathogenicity. Review status: criteria provided, conflicting classifications (1 of 4 stars). 2 submissions from 2 submitters: Uncertain significance (1); Likely benign (1). Last evaluated 2024-06-28.

Conditions:
Retinitis pigmentosa 39 (RP39). Identifiers: Orphanet 791, MedGen C3151138, MONDO:0013436, OMIM 613809.

Allele frequency attached by ClinVar (database versions not stated): ExAC 0.00002; gnomAD exomes 0.00002; gnomAD 0.00001; TOPMed 0.00001.
gnomAD v4.1: 4 of 1,613,188 alleles (0.00025%); highest among the groups gnomAD compares: East Asian, 0.0089%; no homozygotes.

Submissions (2):

Labcorp Genetics (formerly Invitae), Labcorp
Classification: Likely benign. Last evaluated: 2024-06-28. Review status: criteria provided, single submitter. Criteria: Invitae Variant Classification Sherloc (09022015). Collection method: clinical testing. Allele origin: germline.

Ocular Genomics Institute, Massachusetts Eye and Ear
Classification: Uncertain significance for Retinitis pigmentosa 39. Last evaluated: 2021-04-08. Review status: criteria provided, single submitter. Criteria: ACMG Guidelines, 2015. Collection method: research. Allele origin: germline. Affected: yes.
Comment: Through a review of available evidence we were able to apply the following criteria: PM2. Based on this evidence we have classified this variant as Variant of Uncertain Significance.

NM_206933.4(USH2A):c.6958-8A>T

Gene: USH2A (usherin; minus strand). Cytogenetic location: 1q41.
Variant type: single nucleotide variant.
Coding change: c.6958-8A>T on transcript NM_206933.4 (MANE Select); 8 bases into the intron before coding-DNA position 6958, A replaced by T.
Molecular consequence: intron variant.
Genome position (GRCh38, 1-based): chr1:215,965,487, T>A on the plus strand (A>T on the coding strand, the complement: USH2A is on the minus strand). VCF-style: chr1-215965487-T-A. GRCh37 (hg19) VCF-style: chr1-216138829-T-A.
Identifiers: ClinVar variation 753024 (VCV000753024.10), dbSNP rs769264662, ClinGen allele CA1394982.